The following is an entry in ClinVar:

NM_001048174.2(MUTYH):c.343G>T (p.Ala115Ser)

Gene: MUTYH (mutY DNA glycosylase; minus strand). Cytogenetic location: 1p34.1.
Variant type: single nucleotide variant.
Coding change: c.343G>T on transcript NM_001048174.2 (MANE Select); coding-DNA position 343, G replaced by T.
Protein change: p.Ala115Ser; replaces alanine 115 with serine.
Molecular consequence: missense variant. On other transcripts: non-coding transcript variant (6), intron variant (3).
Genome position (GRCh38, 1-based): chr1:45,333,132, C>A on the plus strand (G>T on the coding strand, the complement: MUTYH is on the minus strand). VCF-style: chr1-45333132-C-A. GRCh37 (hg19) VCF-style: chr1-45798804-C-A.
Other names: c.343G>T, p.Ala115Ser (NM_001048171.2, NM_001048173.2, NM_001293195.2 and 6 more transcripts); c.346G>T, p.Ala116Ser (NM_001048172.2, NM_001407086.1, NM_001407071.1 and 2 more transcripts); c.427G>T, p.Ala143Ser (NM_001128425.2); c.388G>T, p.Ala130Ser (NM_001293190.2); c.376G>T, p.Ala126Ser (NM_001293191.2, NM_001407077.1); c.67G>T, p.Ala23Ser (NM_001293192.2, NM_001407091.1, NM_001293196.2); c.385G>T, p.Ala129Ser (NM_001407083.1, NM_001407085.1, NM_001407073.1); c.364G>T, p.Ala122Ser (NM_001407087.1); and 3 more; short protein forms A129S, A140S, A116S, A122S, A126S, A115S, A130S, A143S.
Identifiers: ClinVar variation 4113652 (VCV004113652.1).

ClinVar aggregate classification (germline): Uncertain significance (1 of 4 stars; one submission).

Conditions:
Hereditary cancer-predisposing syndrome. Also called: Hereditary neoplastic syndrome; Neoplastic Syndromes, Hereditary; Tumor predisposition; Hereditary Cancer Syndrome. Identifiers: Orphanet 140162, MedGen C0027672, MeSH D009386, MONDO:0015356.

Submission:

Ambry Genetics
Classification: Uncertain significance for Hereditary cancer-predisposing syndrome. Last evaluated: 2025-08-27. Review status: criteria provided, single submitter. Criteria: Ambry Variant Classification Scheme 2023. Collection method: clinical testing. Allele origin: germline.
Comment: The p.A143S variant (also known as c.427G>T), located in coding exon 5 of the MUTYH gene, results from a G to T substitution at nucleotide position 427. The alanine at codon 143 is replaced by serine, an amino acid with similar properties. This amino acid position is conserved. In addition, this alteration is predicted to be tolerated by in silico analysis. Based on the available evidence, the clinical significance of this variant remains unclear.